The following is an entry in ClinVar:

NM_014283.5(SUCO):c.1690A>G (p.Met564Val)

Gene: SUCO (SUN domain containing ossification factor; plus strand). Cytogenetic location: 1q24.3.
Variant type: single nucleotide variant.
Coding change: c.1690A>G on transcript NM_014283.5 (MANE Select); coding-DNA position 1690, A replaced by G.
Protein change: p.Met564Val; replaces methionine 564 with valine.
Molecular consequence: missense variant. On other transcripts: initiator codon variant (1).
Genome position (GRCh38, 1-based): chr1:172,588,791, A>G. VCF-style: chr1-172588791-A-G. GRCh37 (hg19) VCF-style: chr1-172557931-A-G.
Other names: c.1579A>G, p.Met527Val (NM_001282750.2); c.1A>G, p.Met1Val (NM_001282751.2); c.2143A>G, p.Met715Val (NM_016227.4); short protein forms M1V, M527V, M715V, M564V.
Identifiers: ClinVar variation 2887750 (VCV002887750.3), dbSNP rs1656411410, ClinGen allele CA343740822.

ClinVar aggregate classification (germline): Uncertain significance (1 of 4 stars; one submission).

Allele frequency attached by ClinVar (database versions not stated): TOPMed below 0.00001.
gnomAD v4.1: 2 of 1,561,538 alleles (0.00013%); highest among the groups gnomAD compares: South Asian, 0.0012%; no homozygotes.

Submission:

Labcorp Genetics (formerly Invitae), Labcorp
Classification: Uncertain significance. Last evaluated: 2023-12-13. Review status: criteria provided, single submitter. Criteria: Invitae Variant Classification Sherloc (09022015). Collection method: clinical testing. Allele origin: germline.
Comment: This sequence change replaces methionine, which is neutral and non-polar, with valine, which is neutral and non-polar, at codon 564 of the SUCO protein (p.Met564Val). This variant is not present in population databases (gnomAD no frequency). This variant has not been reported in the literature in individuals affected with SUCO-related conditions. An algorithm developed to predict the effect of missense changes on protein structure and function (PolyPhen-2) suggests that this variant is likely to be tolerated. In summary, the available evidence is currently insufficient to determine the role of this variant in disease. Therefore, it has been classified as a Variant of Uncertain Significance.